The following is an entry in ClinVar:

ClinVar aggregate classification (germline): Uncertain significance. Review status: criteria provided, multiple submitters, no conflicts (2 of 4 stars). 3 submissions from 3 submitters: Uncertain significance (3). Last evaluated 2025-05-19.

Conditions:
Inborn genetic diseases. Identifiers: MedGen C0950123, MeSH D030342.

Allele frequency attached by ClinVar (database versions not stated): gnomAD 0.00002; TOPMed 0.00003; ExAC 0.00004; ESP Exome Variant Server 0.00008.
gnomAD v4.1: 26 of 1,613,956 alleles (0.0016%); highest among the groups gnomAD compares: African/African-American, 0.0053%; no homozygotes.

Submissions (3):

Ambry Genetics
Classification: Uncertain significance for Inborn genetic diseases. Last evaluated: 2025-05-19. Review status: criteria provided, single submitter. Criteria: Ambry Variant Classification Scheme 2023. Collection method: clinical testing. Allele origin: germline.

Labcorp Genetics (formerly Invitae), Labcorp
Classification: Uncertain significance. Last evaluated: 2024-10-24. Review status: criteria provided, single submitter. Criteria: Invitae Variant Classification Sherloc (09022015). Collection method: clinical testing. Allele origin: germline.
Comment: This sequence change replaces arginine, which is basic and polar, with glutamine, which is neutral and polar, at codon 67 of the COX15 protein (p.Arg67Gln). This variant is present in population databases (rs377441431, gnomAD 0.02%). This variant has not been reported in the literature in individuals affected with COX15-related conditions. ClinVar contains an entry for this variant (Variation ID: 1446173). An algorithm developed to predict the effect of missense changes on protein structure and function outputs the following: PolyPhen-2: "Benign". The glutamine amino acid residue is found in multiple mammalian species, which suggests that this missense change does not adversely affect protein function. In summary, the available evidence is currently insufficient to determine the role of this variant in disease. Therefore, it has been classified as a Variant of Uncertain Significance.

GeneDx
Classification: Uncertain significance. Last evaluated: 2024-06-07. Review status: criteria provided, single submitter. Criteria: GeneDx Variant Classification Process June 2021. Collection method: clinical testing. Allele origin: germline. Affected: yes.
Comment: In silico analysis indicates that this missense variant does not alter protein structure/function; Has not been previously published as pathogenic or benign to our knowledge

NM_078470.6(COX15):c.200G>A (p.Arg67Gln)

Gene: COX15 (cytochrome c oxidase assembly factor COX15; minus strand). Cytogenetic location: 10q24.2.
Variant type: single nucleotide variant.
Coding change: c.200G>A on transcript NM_078470.6 (MANE Select); coding-DNA position 200, G replaced by A.
Protein change: p.Arg67Gln; replaces arginine 67 with glutamine.
Molecular consequence: missense variant. On other transcripts: 5 prime UTR variant (1), non-coding transcript variant (1).
Genome position (GRCh38, 1-based): chr10:99,729,625, C>T on the plus strand (G>A on the coding strand, the complement: COX15 is on the minus strand). VCF-style: chr10-99729625-C-T. GRCh37 (hg19) VCF-style: chr10-101489382-C-T.
Other names: c.200G>A (NM_004376.5); c.200G>A, p.Arg67Gln (NM_001320974.2, NM_001320975.2, NM_001372024.1 and 5 more transcripts); c.-255G>A (NM_001320976.2); short protein forms R67Q.
Identifiers: ClinVar variation 1446173 (VCV001446173.7), dbSNP rs377441431, ClinGen allele CA5642333.
Genomic context (GRCh38, chr10:99,729,625, plus strand): 5'-CCAAGAATAACTGCTCCAGCCACTGTTCCACTGCAGACCAGGAGCCATCGGCCCACCACC[C>T]GCTCAGCAGCCTTTGAGGGAAGGGACACTGTACCCCTTCCAGATTGCAAAGCTACTTCAG-3'
Protein context (NP_510870.1, residues 57-77): TVSLPSKAAE[Arg67Gln]VVGRWLLVCS